The following is an entry in ClinVar:

ClinVar aggregate classification (germline): Uncertain significance. Review status: criteria provided, multiple submitters, no conflicts (2 of 4 stars). 2 submissions from 2 submitters: Uncertain significance (2). Last evaluated 2024-05-06.

Allele frequency attached by ClinVar (database versions not stated): TOPMed 0.00004; gnomAD 0.00005 and 0.00006; gnomAD exomes 0.00005 and 0.00006; ExAC 0.00006.
gnomAD v4.1: 79 of 1,613,466 alleles (0.0049%); highest among the groups gnomAD compares: Non-Finnish European, 0.0042%; no homozygotes.

Submissions (2):

Blueprint Genetics
Classification: Uncertain significance. Last evaluated: 2024-05-06. Review status: criteria provided, single submitter. Criteria: ACMG Guidelines, 2015. Collection method: clinical testing. Allele origin: germline.

Labcorp Genetics (formerly Invitae), Labcorp
Classification: Uncertain significance. Last evaluated: 2023-07-16. Review status: criteria provided, single submitter. Criteria: Invitae Variant Classification Sherloc (09022015). Collection method: clinical testing. Allele origin: germline.
Comment: ClinVar contains an entry for this variant (Variation ID: 1009622). This variant has not been reported in the literature in individuals affected with PROM1-related conditions. This variant is present in population databases (rs772737866, gnomAD 0.1%). This sequence change replaces tyrosine, which is neutral and polar, with cysteine, which is neutral and slightly polar, at codon 852 of the PROM1 protein (p.Tyr852Cys). An algorithm developed to predict the effect of missense changes on protein structure and function (PolyPhen-2) suggests that this variant is likely to be tolerated. In summary, the available evidence is currently insufficient to determine the role of this variant in disease. Therefore, it has been classified as a Variant of Uncertain Significance.

NM_006017.3(PROM1):c.2555A>G (p.Tyr852Cys)

Gene: PROM1 (prominin 1; minus strand). Cytogenetic location: 4p15.32.
Variant type: single nucleotide variant.
Coding change: c.2555A>G on transcript NM_006017.3 (MANE Select); coding-DNA position 2555, A replaced by G.
Protein change: p.Tyr852Cys; replaces tyrosine 852 with cysteine.
Molecular consequence: missense variant. On other transcripts: intron variant (6).
Genome position (GRCh38, 1-based): chr4:15,979,422, T>C on the plus strand (A>G on the coding strand, the complement: PROM1 is on the minus strand). VCF-style: chr4-15979422-T-C. GRCh37 (hg19) VCF-style: chr4-15981045-T-C.
Other names: c.2462+1000A>G (NM_001371407.1, NM_001145852.2, NM_001371408.1); c.2486+459A>G (NM_001145851.2); c.2513+459A>G (NM_001145849.2); c.2489+1000A>G (NM_001145850.2); c.2528A>G, p.Tyr843Cys (NM_001145847.2, NM_001145848.2, NM_001371406.1); short protein forms Y843C, Y852C.
Identifiers: ClinVar variation 1009622 (VCV001009622.11), dbSNP rs772737866, ClinGen allele CA2866321.